The following is an entry in ClinVar:

ClinVar aggregate classification (germline): Uncertain significance (1 of 4 stars; one submission).

Submission:

Labcorp Genetics (formerly Invitae), Labcorp
Classification: Uncertain significance. Last evaluated: 2023-12-08. Review status: criteria provided, single submitter. Criteria: Invitae Variant Classification Sherloc (09022015). Collection method: clinical testing. Allele origin: germline.
Comment: This sequence change creates a premature translational stop signal (p.Trp830Argfs*17) in the RHBDF2 gene. While this is not anticipated to result in nonsense mediated decay, it is expected to disrupt the last 27 amino acid(s) of the RHBDF2 protein. This variant is not present in population databases (gnomAD no frequency). This variant has not been reported in the literature in individuals affected with RHBDF2-related conditions. In summary, the available evidence is currently insufficient to determine the role of this variant in disease. Therefore, it has been classified as a Variant of Uncertain Significance.

NM_001005498.4(RHBDF2):c.2400_2410del (p.Trp801fs)

Gene: RHBDF2 (rhomboid 5 homolog 2; minus strand). Cytogenetic location: 17q25.1.
Variant type: Deletion.
Coding change: c.2400_2410del on transcript NM_001005498.4 (MANE Select); coding-DNA positions 2400 to 2410, 11 bases deleted (CTGGCCCTGGA).
Protein change: p.Trp801fs; shifts the reading frame from tryptophan 801.
Molecular consequence: frameshift variant. On other transcripts: non-coding transcript variant (3).
Genome position (GRCh38, 1-based): chr17:76,471,707-76,471,717, TCCAGGGCCAG deleted on the plus strand (CTGGCCCTGGA on the coding strand, the reverse complement: RHBDF2 is on the minus strand); deleting any 11 consecutive bases within chr17:76,471,707-76,471,718 gives the same sequence; the c. name uses the placement nearest the transcript's 3' end. VCF-style (leftmost placement, unchanged base first): chr17-76471706-ATCCAGGGCCAG-A. GRCh37 (hg19) VCF-style: chr17-74467788-ATCCAGGGCCAG-A.
Other names: c.2400_2410del, p.Trp801fs (NM_001376228.1, NM_001376229.1, NM_001376230.1); c.2487_2497del, p.Trp830fs (NM_024599.5); short protein forms W801fs, W830fs.
Identifiers: ClinVar variation 2789305 (VCV002789305.3), dbSNP rs2509761099, ClinGen allele CA2576500142.